The following is an entry in ClinVar:

NM_003366.4(UQCRC2):c.1281G>A (p.Ala427=)

Genes: UQCRC2 (ubiquinol-cytochrome c reductase core protein 2), PDZD9 (PDZ domain containing 9). Cytogenetic location: 16p12.2.
Variant type: single nucleotide variant.
Coding change: c.1281G>A on transcript NM_003366.4 (MANE Select); coding-DNA position 1281, G replaced by A.
Protein change: p.Ala427=; no amino-acid change (alanine 427 retained).
Molecular consequence: synonymous variant.
Genome position (GRCh38, 1-based): chr16:21,983,090, G>A. VCF-style: chr16-21983090-G-A. GRCh37 (hg19) VCF-style: chr16-21994411-G-A.
Identifiers: ClinVar variation 380179 (VCV000380179.14), dbSNP rs7282, ClinGen allele CA7954019.

ClinVar aggregate classification (germline): Benign. Review status: criteria provided, multiple submitters, no conflicts (2 of 4 stars). 4 submissions from 4 submitters: Benign (3). 1 of the submissions does not count toward it. Last evaluated 2026-02-03.

Allele frequency attached by ClinVar (database versions not stated): TOPMed 0.07691; gnomAD 0.07713 and 0.08457; ESP Exome Variant Server 0.08049; 1000 Genomes Project 30x 0.10337; 1000 Genomes Project 0.10883; gnomAD exomes 0.11255 and 0.11329; ExAC 0.11619.
gnomAD v4.1: 178,646 of 1,611,660 alleles (11%); highest among the groups gnomAD compares: South Asian, 26%; 11,964 homozygotes.

Submissions (36):

Labcorp Genetics (formerly Invitae), Labcorp
Classification: Benign. Last evaluated: 2026-02-03. Review status: criteria provided, single submitter. Criteria: Invitae Variant Classification Sherloc (09022015). Collection method: clinical testing. Allele origin: germline.

GeneDx
Classification: Benign. Last evaluated: 2016-02-09. Review status: criteria provided, single submitter. Criteria: GeneDx Variant Classification (06012015). Collection method: clinical testing. Allele origin: germline. Affected: yes.
Comment: This variant is considered likely benign or benign based on one or more of the following criteria: it is a conservative change, it occurs at a poorly conserved position in the protein, it is predicted to be benign by multiple in silico algorithms, and/or has population frequency not consistent with disease.

Breakthrough Genomics
Classification: Benign. Review status: criteria provided, single submitter. Criteria: ACMG Guidelines, 2015. Collection method: not provided. Allele origin: germline. Inheritance: Autosomal recessive inheritance. Affected: yes.

Mayo Clinic Laboratories, Mayo Clinic
Classification: Benign. Last evaluated: 2016-02-19. Review status: no assertion criteria provided. Collection method: clinical testing. Allele origin: unknown. Not counted in ClinVar's aggregate classification.

Dr. Peter K. Rogan Lab, Western University
No classification provided (evidence only). Condition: Familial cancer of breast. Review status: no classification provided. Collection method: in vitro. Allele origin: not applicable. Functional consequence: retained intron. Not counted in ClinVar's aggregate classification.

Dr. Peter K. Rogan Lab, Western University
No classification provided (evidence only). Condition: Malignant lymphoma, large B-cell, diffuse. Review status: no classification provided. Collection method: in vitro. Allele origin: not applicable. Functional consequence: retained intron. Not counted in ClinVar's aggregate classification.

Dr. Peter K. Rogan Lab, Western University
No classification provided (evidence only). Condition: Malignant lymphoma, large B-cell, diffuse. Review status: no classification provided. Collection method: in vitro. Allele origin: not applicable. Functional consequence: retained intron. Not counted in ClinVar's aggregate classification.

Dr. Peter K. Rogan Lab, Western University
No classification provided (evidence only). Condition: Malignant lymphoma, large B-cell, diffuse. Review status: no classification provided. Collection method: in vitro. Allele origin: not applicable. Functional consequence: retained intron. Not counted in ClinVar's aggregate classification.

Dr. Peter K. Rogan Lab, Western University
No classification provided (evidence only). Condition: Malignant lymphoma, large B-cell, diffuse. Review status: no classification provided. Collection method: in vitro. Allele origin: not applicable. Functional consequence: retained intron. Not counted in ClinVar's aggregate classification.

Dr. Peter K. Rogan Lab, Western University
No classification provided (evidence only). Condition: Malignant lymphoma, large B-cell, diffuse. Review status: no classification provided. Collection method: in vitro. Allele origin: not applicable. Functional consequence: retained intron. Not counted in ClinVar's aggregate classification.

Dr. Peter K. Rogan Lab, Western University
No classification provided (evidence only). Condition: Malignant lymphoma, large B-cell, diffuse. Review status: no classification provided. Collection method: in vitro. Allele origin: not applicable. Functional consequence: retained intron. Not counted in ClinVar's aggregate classification.

Dr. Peter K. Rogan Lab, Western University
No classification provided (evidence only). Condition: Malignant lymphoma, large B-cell, diffuse. Review status: no classification provided. Collection method: in vitro. Allele origin: not applicable. Functional consequence: retained intron. Not counted in ClinVar's aggregate classification.

Dr. Peter K. Rogan Lab, Western University
No classification provided (evidence only). Condition: Cholangiocarcinoma. Review status: no classification provided. Collection method: in vitro. Allele origin: not applicable. Functional consequence: retained intron. Not counted in ClinVar's aggregate classification.

Dr. Peter K. Rogan Lab, Western University
No classification provided (evidence only). Condition: Cholangiocarcinoma. Review status: no classification provided. Collection method: in vitro. Allele origin: not applicable. Functional consequence: retained intron. Not counted in ClinVar's aggregate classification.

Dr. Peter K. Rogan Lab, Western University
No classification provided (evidence only). Condition: Adrenocortical carcinoma, hereditary. Review status: no classification provided. Collection method: in vitro. Allele origin: not applicable. Functional consequence: retained intron. Not counted in ClinVar's aggregate classification.

Dr. Peter K. Rogan Lab, Western University
No classification provided (evidence only). Condition: Adrenocortical carcinoma, hereditary. Review status: no classification provided. Collection method: in vitro. Allele origin: not applicable. Functional consequence: retained intron. Not counted in ClinVar's aggregate classification.

Dr. Peter K. Rogan Lab, Western University
No classification provided (evidence only). Condition: Adrenocortical carcinoma, hereditary. Review status: no classification provided. Collection method: in vitro. Allele origin: not applicable. Functional consequence: retained intron. Not counted in ClinVar's aggregate classification.

Dr. Peter K. Rogan Lab, Western University
No classification provided (evidence only). Condition: Adrenocortical carcinoma, hereditary. Review status: no classification provided. Collection method: in vitro. Allele origin: not applicable. Functional consequence: retained intron. Not counted in ClinVar's aggregate classification.

Dr. Peter K. Rogan Lab, Western University
No classification provided (evidence only). Condition: Adrenocortical carcinoma, hereditary. Review status: no classification provided. Collection method: in vitro. Allele origin: not applicable. Functional consequence: retained intron. Not counted in ClinVar's aggregate classification.

Dr. Peter K. Rogan Lab, Western University
No classification provided (evidence only). Condition: Uterine carcinosarcoma. Review status: no classification provided. Collection method: in vitro. Allele origin: not applicable. Functional consequence: retained intron. Not counted in ClinVar's aggregate classification.

Dr. Peter K. Rogan Lab, Western University
No classification provided (evidence only). Condition: Uterine carcinosarcoma. Review status: no classification provided. Collection method: in vitro. Allele origin: not applicable. Functional consequence: retained intron. Not counted in ClinVar's aggregate classification.

Dr. Peter K. Rogan Lab, Western University
No classification provided (evidence only). Condition: Uterine carcinosarcoma. Review status: no classification provided. Collection method: in vitro. Allele origin: not applicable. Functional consequence: retained intron. Not counted in ClinVar's aggregate classification.

Dr. Peter K. Rogan Lab, Western University
No classification provided (evidence only). Condition: Uterine carcinosarcoma. Review status: no classification provided. Collection method: in vitro. Allele origin: not applicable. Functional consequence: retained intron. Not counted in ClinVar's aggregate classification.

Dr. Peter K. Rogan Lab, Western University
No classification provided (evidence only). Condition: Uterine carcinosarcoma. Review status: no classification provided. Collection method: in vitro. Allele origin: not applicable. Functional consequence: retained intron. Not counted in ClinVar's aggregate classification.

Dr. Peter K. Rogan Lab, Western University
No classification provided (evidence only). Condition: Uterine carcinosarcoma. Review status: no classification provided. Collection method: in vitro. Allele origin: not applicable. Functional consequence: retained intron. Not counted in ClinVar's aggregate classification.

Dr. Peter K. Rogan Lab, Western University
No classification provided (evidence only). Condition: Uterine carcinosarcoma. Review status: no classification provided. Collection method: in vitro. Allele origin: not applicable. Functional consequence: retained intron. Not counted in ClinVar's aggregate classification.

Dr. Peter K. Rogan Lab, Western University
No classification provided (evidence only). Condition: Uterine carcinosarcoma. Review status: no classification provided. Collection method: in vitro. Allele origin: not applicable. Functional consequence: retained intron. Not counted in ClinVar's aggregate classification.

Dr. Peter K. Rogan Lab, Western University
No classification provided (evidence only). Condition: Uterine carcinosarcoma. Review status: no classification provided. Collection method: in vitro. Allele origin: not applicable. Functional consequence: retained intron. Not counted in ClinVar's aggregate classification.

Dr. Peter K. Rogan Lab, Western University
No classification provided (evidence only). Condition: Uterine carcinosarcoma. Review status: no classification provided. Collection method: in vitro. Allele origin: not applicable. Functional consequence: retained intron. Not counted in ClinVar's aggregate classification.

Dr. Peter K. Rogan Lab, Western University
No classification provided (evidence only). Condition: Uterine carcinosarcoma. Review status: no classification provided. Collection method: in vitro. Allele origin: not applicable. Functional consequence: retained intron. Not counted in ClinVar's aggregate classification.

Dr. Peter K. Rogan Lab, Western University
No classification provided (evidence only). Condition: Uterine carcinosarcoma. Review status: no classification provided. Collection method: in vitro. Allele origin: not applicable. Functional consequence: retained intron. Not counted in ClinVar's aggregate classification.

Dr. Peter K. Rogan Lab, Western University
No classification provided (evidence only). Condition: Uterine carcinosarcoma. Review status: no classification provided. Collection method: in vitro. Allele origin: not applicable. Functional consequence: retained intron. Not counted in ClinVar's aggregate classification.

Dr. Peter K. Rogan Lab, Western University
No classification provided (evidence only). Condition: Uveal melanoma. Review status: no classification provided. Collection method: in vitro. Allele origin: not applicable. Functional consequence: retained intron. Not counted in ClinVar's aggregate classification.

Dr. Peter K. Rogan Lab, Western University
No classification provided (evidence only). Condition: Uveal melanoma. Review status: no classification provided. Collection method: in vitro. Allele origin: not applicable. Functional consequence: retained intron. Not counted in ClinVar's aggregate classification.

Dr. Peter K. Rogan Lab, Western University
No classification provided (evidence only). Condition: Uveal melanoma. Review status: no classification provided. Collection method: in vitro. Allele origin: not applicable. Functional consequence: retained intron. Not counted in ClinVar's aggregate classification.

Dr. Peter K. Rogan Lab, Western University
No classification provided (evidence only). Condition: Uveal melanoma. Review status: no classification provided. Collection method: in vitro. Allele origin: not applicable. Functional consequence: retained intron. Not counted in ClinVar's aggregate classification.